The following is an entry in ClinVar:

NM_000257.4(MYH7):c.3994G>C (p.Ala1332Pro)

Gene: MYH7 (myosin heavy chain 7; minus strand). Cytogenetic location: 14q11.2.
Variant type: single nucleotide variant.
Coding change: c.3994G>C on transcript NM_000257.4 (MANE Select); coding-DNA position 3994, G replaced by C.
Protein change: p.Ala1332Pro; replaces alanine 1332 with proline.
Molecular consequence: missense variant.
Genome position (GRCh38, 1-based): chr14:23,418,385, C>G on the plus strand (G>C on the coding strand, the complement: MYH7 is on the minus strand). VCF-style: chr14-23418385-C-G. GRCh37 (hg19) VCF-style: chr14-23887594-C-G.
Other names: c.3994G>C, p.Ala1332Pro (NM_001407004.1); short protein forms A1332P.
Identifiers: ClinVar variation 3376661 (VCV003376661.2).

ClinVar aggregate classification (germline): Uncertain significance. Review status: criteria provided, multiple submitters, no conflicts (2 of 4 stars). 2 submissions from 2 submitters: Uncertain significance (2). Last evaluated 2026-01-14.

Conditions:
Dilated cardiomyopathy 1S (CMD1S). Identifiers: Orphanet 154, Orphanet 54260, MedGen C1834481, MONDO:0013262, OMIM 613426.
Hypertrophic cardiomyopathy. Also called: HYPERTROPHIC MYOCARDIOPATHY. Identifiers: Orphanet 217569, MedGen C0007194, MeSH D002312, MONDO:0005045, HP:0001639.

gnomAD v4.1: 3 of 1,611,696 alleles (0.00019%); highest among the groups gnomAD compares: Non-Finnish European, 0.00025%; no homozygotes.

Submissions (2):

Labcorp Genetics (formerly Invitae), Labcorp
Classification: Uncertain significance for Hypertrophic cardiomyopathy. Last evaluated: 2026-01-14. Review status: criteria provided, single submitter. Criteria: Invitae Variant Classification Sherloc (09022015). Collection method: clinical testing. Allele origin: germline.
Comment: This sequence change replaces alanine, which is neutral and non-polar, with proline, which is neutral and non-polar, at codon 1332 of the MYH7 protein (p.Ala1332Pro). This variant is not present in population databases (gnomAD no frequency). This variant has not been reported in the literature in individuals affected with MYH7-related conditions. ClinVar contains an entry for this variant (Variation ID: 3376661). Invitae Evidence Modeling of protein sequence and biophysical properties (such as structural, functional, and spatial information, amino acid conservation, physicochemical variation, residue mobility, and thermodynamic stability) indicates that this missense variant is expected to disrupt MYH7 protein function with a positive predictive value of 95%. In summary, the available evidence is currently insufficient to determine the role of this variant in disease. Therefore, it has been classified as a Variant of Uncertain Significance.

Victorian Clinical Genetics Services, Murdoch Childrens Research Institute
Classification: Uncertain significance for Dilated cardiomyopathy 1S. Last evaluated: 2022-02-02. Review status: criteria provided, single submitter. Criteria: ACMG Guidelines, 2015. Collection method: clinical testing. Allele origin: germline. Inheritance: Autosomal dominant inheritance. Affected: yes.
Comment: Based on the classification scheme VCGS_Germline_v1.3.4, this variant is classified as VUS-3A. Following criteria are met: 0105 - The mechanism of disease for this gene is not clearly established, however, missense variants have been proposed to act in a dominant negative manner (PMID: 24714796). (I) 0108 - This gene is associated with both recessive and dominant disease. Pathogenic variants in this gene are usually heterozygous, however a recessive inheritance pattern has been observed in severe cases (OMIM). (I) 0112 - The condition associated with this gene has incomplete penetrance (PMID: 29300372). (I) 0200 - Variant is predicted to result in a missense amino acid change from alanine to proline. (I) 0251 - This variant is heterozygous. (I) 0301 - Variant is absent from gnomAD (both v2 and v3). (SP) 0309 - An alternative amino acid change at the same position has been observed in gnomAD (v2) (8 heterozygotes, 0 homozygotes). (I) 0502 - Missense variant with conflicting in silico predictions and uninformative conservation. (I) 0600 - Variant is located in the annotated myosin tail domain (Decipher). (I) 0708 - Another missense variant comparable to the one identified in this case has conflicting previous evidence for pathogenicity. An alternative change to a threonine has been reported multiple times as VUS in ClinVar, and in one DCM patient and two HCM patients in the literature (PMID: 21750094, 27532257). (I) 0807 - This variant has no previous evidence of pathogenicity. (I) 0905 - No published segregation evidence has been identified for this variant. (I) 1007 - No published functional evidence has been identified for this variant. (I) 1208 - Inheritance information for this variant is not currently available in this individual. (I) Legend: (SP) - Supporting pathogenic, (I) - Information, (SB) - Supporting benign

Literature cited by the submitters: PubMed 21750094 (cited by Victorian Clinical Genetics Services, Murdoch Childrens Research Institute); PubMed 24714796 (cited by Victorian Clinical Genetics Services, Murdoch Childrens Research Institute); PubMed 27532257 (cited by Victorian Clinical Genetics Services, Murdoch Childrens Research Institute); PubMed 29300372 (cited by Victorian Clinical Genetics Services, Murdoch Childrens Research Institute).